The following is an entry in ClinVar:

NM_000268.4(NF2):c.676-104G>A

Gene: NF2 (NF2, moesin-ezrin-radixin like (MERLIN) tumor suppressor; plus strand). Cytogenetic location: 22q12.2.
Variant type: single nucleotide variant.
Coding change: c.676-104G>A on transcript NM_000268.4 (MANE Select); 104 bases into the intron before coding-DNA position 676, G replaced by A.
Molecular consequence: intron variant.
Genome position (GRCh38, 1-based): chr22:29,661,101, G>A. VCF-style: chr22-29661101-G-A. GRCh37 (hg19) VCF-style: chr22-30057090-G-A.
Other names: c.676-104G>A (NM_016418.5, NM_181832.3, NM_181825.3); c.447+18816G>A (NM_181833.3); c.553-104G>A (NM_181829.3); c.550-104G>A (NM_181828.3); c.427-104G>A (NM_181830.3, NM_181831.3).
Identifiers: ClinVar variation 930510 (VCV000930510.3), dbSNP rs1040559021, ClinGen allele CA323111793.

ClinVar aggregate classification (germline): Uncertain significance (1 of 4 stars; one submission).

Conditions:
Familial meningioma. Also called: Meningioma, familial, susceptibility to. Identifiers: Orphanet 263662, MedGen C3551915, MONDO:0011789, OMIM 607174.

Allele frequency attached by ClinVar (database versions not stated): gnomAD 0.00001; gnomAD exomes 0.00001; TOPMed 0.00001.
gnomAD v4.1: 19 of 1,540,070 alleles (0.0012%); highest among the groups gnomAD compares: Non-Finnish European, 0.0014%; no homozygotes.

Submission:

Centre for Mendelian Genomics, University Medical Centre Ljubljana
Classification: Uncertain significance for Familial meningioma. Last evaluated: 2019-08-12. Review status: criteria provided, single submitter. Criteria: ACMG Guidelines, 2015. Collection method: clinical testing. Allele origin: unknown. Affected: yes.
Comment: This variant was classified as: Uncertain significance. The available evidence on this variant's pathogenicity is insufficient or conflicting. The following ACMG criteria were applied in classifying this variant: PM2,BP4.